The following is an entry in ClinVar:

NM_033380.3(COL4A5):c.687+4A>G

Gene: COL4A5 (collagen type IV alpha 5 chain; plus strand). Cytogenetic location: Xq22.3.
Variant type: single nucleotide variant.
Coding change: c.687+4A>G on transcript NM_033380.3 (MANE Select); 4 bases into the intron after coding-DNA position 687, A replaced by G.
Molecular consequence: intron variant.
Genome position (GRCh38, 1-based): chrX:108,578,123, A>G. VCF-style: chrX-108578123-A-G. GRCh37 (hg19) VCF-style: chrX-107821353-A-G.
Other names: c.687+4A>G (NM_000495.5).
Identifiers: ClinVar variation 5042575 (VCV005042575.1).

ClinVar aggregate classification (germline): Uncertain significance (1 of 4 stars; one submission).

Conditions:
X-linked Alport syndrome (ATS1). Also called: NEPHROPATHY AND DEAFNESS, X-LINKED; COL4A5-Related Nephropathy. Identifiers: Orphanet 63, Orphanet 88917, MedGen C4746986, MONDO:0010520, OMIM 301050.

Submission:

UAEU Genomics Laboratory, United Arab Emirates University
Classification: Uncertain significance for X-linked Alport syndrome. Last evaluated: 2024-02-21. Review status: criteria provided, single submitter. Criteria: ACMG Guidelines, 2015. Collection method: research. Allele origin: germline. Affected: yes. Observed: 1 variant allele.
Comment: PM2, PP3